The following is an entry in ClinVar:

NM_000038.6(APC):c.3925_3928del (p.Glu1309fs)

Gene: APC (APC regulator of Wnt signaling pathway; plus strand). Cytogenetic location: 5q22.2.
Variant type: Deletion.
Coding change: c.3925_3928del on transcript NM_000038.6 (MANE Select); coding-DNA positions 3925 to 3928, 4 bases deleted (GAAA; older notation c.3925_3928delGAAA).
Protein change: p.Glu1309fs; shifts the reading frame from glutamic acid 1309.
Molecular consequence: frameshift variant.
Genome position (GRCh38, 1-based): chr5:112,839,519-112,839,522, GAAA deleted; deleting any 4 consecutive bases within chr5:112,839,516-112,839,522 gives the same sequence; the c. name uses the placement nearest the transcript's 3' end. VCF-style (leftmost placement, unchanged base first): chr5-112839515-AAAAG-A. GRCh37 (hg19) VCF-style: chr5-112175212-AAAAG-A.
Other names: c.3925_3928del (NM_000038.5); c.3925_3928del, p.Glu1309fs (NM_001127510.3, NM_001354895.2); c.3871_3874del, p.Glu1291fs (NM_001127511.3); c.3979_3982del, p.Glu1327fs (NM_001354896.2); c.3955_3958del, p.Glu1319fs (NM_001354897.2); c.3850_3853del, p.Glu1284fs (NM_001354898.2); c.3841_3844del, p.Glu1281fs (NM_001354899.2); c.3802_3805del, p.Glu1268fs (NM_001354900.2); and 6 more; short protein forms E1026fs, E1309fs, E1208fs, E1218fs, E1268fs, E1291fs, E1319fs, E1149fs.
Identifiers: ClinVar variation 232247 (VCV000232247.21), dbSNP rs876659647, ClinGen allele CA10578360.

ClinVar aggregate classification (germline): Pathogenic. Review status: criteria provided, multiple submitters, no conflicts (2 of 4 stars). 6 submissions from 6 submitters: Pathogenic (6). Last evaluated 2024-05-17.

Conditions:
APC-related disorder. Also called: APC-related condition.
Classic or attenuated familial adenomatous polyposis. Identifiers: MedGen CN372698, MONDO:0021057.
Hereditary cancer-predisposing syndrome. Also called: Neoplastic Syndromes, Hereditary; Hereditary Cancer Syndrome; Tumor predisposition; Hereditary neoplastic syndrome. Identifiers: Orphanet 140162, MedGen C0027672, MeSH D009386, MONDO:0015356.
Familial adenomatous polyposis 1 (FAP1). Also called: FAMILIAL ADENOMATOUS POLYPOSIS 1, ATTENUATED; POLYPOSIS, ADENOMATOUS INTESTINAL. Identifiers: MedGen C2713442, MONDO:0021056, OMIM 175100. Disease mechanism: loss of function.

Submissions (6):

Blueprint Genetics
Classification: Pathogenic for APC-related disorders. Last evaluated: 2024-05-17. Review status: criteria provided, single submitter. Criteria: ACMG Guidelines, 2015. Collection method: clinical testing. Allele origin: germline. Affected: yes. Observed: 2 variant alleles.

Department of Pathology and Laboratory Medicine, Sinai Health System
Classification: Pathogenic for classic or attenuated familial adenomatous polyposis. Last evaluated: 2024-02-28. Review status: criteria provided, single submitter. Criteria: ACMG Guidelines, 2015. Collection method: clinical testing. Allele origin: germline. Affected: no.

Labcorp Genetics (formerly Invitae), Labcorp
Classification: Pathogenic for Familial adenomatous polyposis 1. Last evaluated: 2023-07-19. Review status: criteria provided, single submitter. Criteria: Invitae Variant Classification Sherloc (09022015). Collection method: clinical testing. Allele origin: germline.
Comment: This sequence change creates a premature translational stop signal (p.Glu1309Argfs*11) in the APC gene. While this is not anticipated to result in nonsense mediated decay, it is expected to disrupt the last 1535 amino acid(s) of the APC protein. This variant is not present in population databases (gnomAD no frequency). This premature translational stop signal has been observed in individual(s) with familial adenomatous polyposis (PMID: 8162022, 9101302, 20223039, 20685668, 24664542). This variant is also known as c.3922_3925delAAAG and 3925del4. ClinVar contains an entry for this variant (Variation ID: 232247). This variant is expected to disrupt the EB1 and HDLG binding sites, which mediate interactions with the cytoskeleton (PMID: 15311282, 17293347). While functional studies have not been performed to directly test the effect on APC protein function, this suggests that disruption of the C-terminal portion of the protein is functionally important. A different truncation (p.Tyr2645Lysfs*14) that lies downstream of this variant has been determined to be pathogenic (PMID: 9824584, 1316610, 27081525, 8381579, 22135120, Invitae). This suggests that deletion of this region of the APC protein is causative of disease. For these reasons, this variant has been classified as Pathogenic.

Myriad Genetics, Inc.
Classification: Pathogenic for Familial adenomatous polyposis 1. Last evaluated: 2023-05-09. Review status: criteria provided, single submitter. Criteria: Myriad Autosomal Dominant, Autosomal Recessive and X-Linked Classification Criteria (2023). Collection method: clinical testing. Allele origin: unknown.
Comment: This variant is considered pathogenic. This variant creates a frameshift predicted to result in premature protein truncation.

Institute of Medical Genetics and Applied Genomics, University Hospital Tübingen
Classification: Pathogenic. Last evaluated: 2020-10-23. Review status: criteria provided, single submitter. Criteria: ACMG Guidelines, 2015. Collection method: clinical testing. Allele origin: germline. Inheritance: Unknown mechanism. Affected: yes.

Ambry Genetics
Classification: Pathogenic for Hereditary cancer-predisposing syndrome. Last evaluated: 2020-08-27. Review status: criteria provided, single submitter. Criteria: Ambry Variant Classification Scheme 2023. Collection method: clinical testing. Allele origin: germline.
Comment: The c.3925_3928delGAAA pathogenic mutation, located in coding exon 15 of the APC gene, results from a deletion of 4 nucleotides at positions 3925 to 3928, causing a translational frameshift with a predicted alternate stop codon (p.E1309Rfs*11). This alteration has been identified in multiple individuals with familial adenomatous polyposis (FAP), attenuated FAP, or Gardner syndrome (Mandl M et al. Hum. Mol. Genet. 1994 Jan;3:181-4; Gismondi V et al. Hum. Mutat. 1997;9:370-3; Friedl W and Aretz S. Hered Cancer Clin Pract. 2005 Sep;3:95-114; Lagarde A et al. J. Med. Genet. 2010 Oct;47:721-2; Jung SM et al. World J. Gastroenterol. 2016 May;22:4380-8). This alteration is expected to result in loss of function by premature protein truncation. As such, this alteration is interpreted as a disease-causing mutation.

Literature cited by the submitters: PubMed 24664542 (cited by Department of Pathology and Laboratory Medicine, Sinai Health System and Labcorp Genetics (formerly Invitae), Labcorp); PubMed 8162022 (cited by 3 submitters); PubMed 20223039 (cited by 3 submitters); PubMed 20685668 (cited by 3 submitters); PubMed 9101302 (cited by Labcorp Genetics (formerly Invitae), Labcorp and Ambry Genetics); PubMed 15311282 (cited by Labcorp Genetics (formerly Invitae), Labcorp); PubMed 17293347 (cited by Labcorp Genetics (formerly Invitae), Labcorp); PubMed 9824584 (cited by Labcorp Genetics (formerly Invitae), Labcorp); PubMed 1316610 (cited by Labcorp Genetics (formerly Invitae), Labcorp); PubMed 27081525 (cited by Labcorp Genetics (formerly Invitae), Labcorp); PubMed 8381579 (cited by Labcorp Genetics (formerly Invitae), Labcorp); PubMed 22135120 (cited by Labcorp Genetics (formerly Invitae), Labcorp); PubMed 27158207 (cited by Ambry Genetics); PubMed 29901124 (cited by Ambry Genetics).